The following is an entry in ClinVar:

ClinVar aggregate classification (germline): Uncertain significance. Review status: criteria provided, multiple submitters, no conflicts (2 of 4 stars). 2 submissions from 2 submitters: Uncertain significance (2). Last evaluated 2025-04-29.

Conditions:
Inborn genetic diseases. Identifiers: MedGen C0950123, MeSH D030342.

Allele frequency attached by ClinVar (database versions not stated): gnomAD exomes below 0.00001; ExAC 0.00001.
gnomAD v4.1: 2 of 1,614,206 alleles (0.00012%); highest among the groups gnomAD compares: Admixed American, 0.0017%; no homozygotes.

Submissions (2):

Dasa
Classification: Uncertain significance. Last evaluated: 2025-04-29. Review status: criteria provided, single submitter. Criteria: DASA Assertion Criteria. Collection method: clinical testing. Allele origin: germline.
Comment: NM_170606.3(KMT2C):c.9707A>G (p.His3236Arg) is a missense variant that results in the substitution of histidine with arginine. This variant is rare in population databases. The currently available literature and clinical evidence are not sufficient to establish a definitive association between this variant and the reported condition. Therefore, this variant is classified as a variant of uncertain significance.

Ambry Genetics
Classification: Uncertain significance for Inborn genetic diseases. Last evaluated: 2023-05-05. Review status: criteria provided, single submitter. Criteria: Ambry Variant Classification Scheme 2023. Collection method: clinical testing. Allele origin: germline.

NM_170606.3(KMT2C):c.9707A>G (p.His3236Arg)

Gene: KMT2C (lysine methyltransferase 2C; minus strand). Cytogenetic location: 7q36.1.
Variant type: single nucleotide variant.
Coding change: c.9707A>G on transcript NM_170606.3 (MANE Select); coding-DNA position 9707, A replaced by G.
Protein change: p.His3236Arg; replaces histidine 3236 with arginine.
Molecular consequence: missense variant.
Genome position (GRCh38, 1-based): chr7:152,167,189, T>C on the plus strand (A>G on the coding strand, the complement: KMT2C is on the minus strand). VCF-style: chr7-152167189-T-C. GRCh37 (hg19) VCF-style: chr7-151864274-T-C.
Other names: short protein forms H3236R.
Identifiers: ClinVar variation 2533861 (VCV002533861.4), dbSNP rs773958097, ClinGen allele CA4579420.